The following is an entry in ClinVar:

ClinVar aggregate classification (germline): Benign/Likely benign. Review status: criteria provided, multiple submitters, no conflicts (2 of 4 stars). 4 submissions from 4 submitters: Benign (1); Likely benign (3). Last evaluated 2025-01-17.

Conditions:
Hereditary cancer-predisposing syndrome. Also called: Hereditary Cancer Syndrome; Hereditary neoplastic syndrome; Neoplastic Syndromes, Hereditary; Tumor predisposition. Identifiers: Orphanet 140162, MedGen C0027672, MeSH D009386, MONDO:0015356.
Familial cancer of breast. Also called: Hereditary breast cancer; hereditary breast carcinoma; BREAST CANCER, FAMILIAL. Identifiers: Orphanet 227535, MedGen C0346153, MONDO:0016419, OMIM 114480. Disease mechanism: loss of function.

Submissions (4):

Myriad Genetics, Inc.
Classification: Benign for Familial cancer of breast. Last evaluated: 2025-01-17. Review status: criteria provided, single submitter. Criteria: Myriad Autosomal Dominant, Autosomal Recessive and X-Linked Classification Criteria (2023). Collection method: clinical testing. Allele origin: unknown.
Comment: This variant is considered benign. This variant is a silent/synonymous amino acid change and it is not expected to impact splicing.

Ambry Genetics
Classification: Likely benign for Hereditary cancer-predisposing syndrome. Last evaluated: 2024-10-15. Review status: criteria provided, single submitter. Criteria: Ambry Variant Classification Scheme 2023. Collection method: clinical testing. Allele origin: germline.

Labcorp Genetics (formerly Invitae), Labcorp
Classification: Likely benign for Familial cancer of breast. Last evaluated: 2023-10-03. Review status: criteria provided, single submitter. Criteria: Invitae Variant Classification Sherloc (09022015). Collection method: clinical testing. Allele origin: germline.

GeneDx
Classification: Likely benign. Last evaluated: 2016-07-06. Review status: criteria provided, single submitter. Criteria: GeneDx Variant Classification (06012015). Collection method: clinical testing. Allele origin: germline. Affected: yes.
Comment: This variant is considered likely benign or benign based on one or more of the following criteria: it is a conservative change, it occurs at a poorly conserved position in the protein, it is predicted to be benign by multiple in silico algorithms, and/or has population frequency not consistent with disease.

NM_024675.4(PALB2):c.2652G>A (p.Glu884=)

Gene: PALB2 (partner and localizer of BRCA2; minus strand). Cytogenetic location: 16p12.2.
Variant type: single nucleotide variant.
Coding change: c.2652G>A on transcript NM_024675.4 (MANE Select); coding-DNA position 2652, G replaced by A.
Protein change: p.Glu884=; no amino-acid change (glutamic acid 884 retained).
Molecular consequence: synonymous variant.
Genome position (GRCh38, 1-based): chr16:23,626,332, C>T on the plus strand (G>A on the coding strand, the complement: PALB2 is on the minus strand). VCF-style: chr16-23626332-C-T. GRCh37 (hg19) VCF-style: chr16-23637653-C-T.
Identifiers: ClinVar variation 387647 (VCV000387647.6), dbSNP rs1057522856, ClinGen allele CA16607336.
Genomic context (GRCh38, chr16:23,626,332, plus strand): 5'-CCAAGCATCCAGAGCTTTCCAAAGAGAAACTACATCTTCGCAAGCAGTTATGATACATGG[C>T]TCTTTACAACCGGCTCTTTCCCAAAACATGGCACTCACATCTACGGAACAGGAACCTGAA-3'
Protein context (NP_078951.2, residues 874-894): AMFWERAGCK[Glu884=]PCIITACEDV